The following is an entry in ClinVar:

NM_001457.4(FLNB):c.1367G>A (p.Arg456Gln)

Gene: FLNB (filamin B; plus strand). Cytogenetic location: 3p14.3.
Variant type: single nucleotide variant.
Coding change: c.1367G>A on transcript NM_001457.4 (MANE Select); coding-DNA position 1367, G replaced by A.
Protein change: p.Arg456Gln; replaces arginine 456 with glutamine.
Molecular consequence: missense variant.
Genome position (GRCh38, 1-based): chr3:58,102,224, G>A. VCF-style: chr3-58102224-G-A. GRCh37 (hg19) VCF-style: chr3-58087951-G-A.
Other names: c.1367G>A, p.Arg456Gln (NM_001164317.2, NM_001164318.2, NM_001164319.2); short protein forms R456Q.
Identifiers: ClinVar variation 899411 (VCV000899411.14), dbSNP rs377737248, ClinGen allele CA2467790.

ClinVar aggregate classification (germline): Conflicting classifications of pathogenicity. Review status: criteria provided, conflicting classifications (1 of 4 stars). 5 submissions from 5 submitters: Uncertain significance (3); Likely benign (2). Last evaluated 2025-07-14.

Conditions:
Inborn genetic diseases. Identifiers: MedGen C0950123, MeSH D030342.
FLNB-Related Spectrum Disorders.

Allele frequency attached by ClinVar (database versions not stated): 1000 Genomes Project 30x 0.00016; TOPMed 0.00001; 1000 Genomes Project 0.00020.
gnomAD v4.1: 89 of 1,614,216 alleles (0.0055%); highest among the groups gnomAD compares: South Asian, 0.055%; no homozygotes.

Submissions (5):

Labcorp Genetics (formerly Invitae), Labcorp
Classification: Likely benign. Last evaluated: 2025-07-14. Review status: criteria provided, single submitter. Criteria: Invitae Variant Classification Sherloc (09022015). Collection method: clinical testing. Allele origin: germline.

Blueprint Genetics
Classification: Uncertain significance. Last evaluated: 2024-09-05. Review status: criteria provided, single submitter. Criteria: ACMG Guidelines, 2015. Collection method: clinical testing. Allele origin: germline.

GeneDx
Classification: Uncertain significance. Last evaluated: 2022-11-07. Review status: criteria provided, single submitter. Criteria: GeneDx Variant Classification Process June 2021. Collection method: clinical testing. Allele origin: germline. Affected: yes.
Comment: In silico analysis supports that this missense variant has a deleterious effect on protein structure/function; Has not been previously published as pathogenic or benign to our knowledge; This variant is associated with the following publications: (PMID: 31320741)

Ambry Genetics
Classification: Likely benign for Inborn genetic diseases. Last evaluated: 2021-07-15. Review status: criteria provided, single submitter. Criteria: Ambry Variant Classification Scheme 2023. Collection method: clinical testing. Allele origin: germline.

Illumina Laboratory Services, Illumina
Classification: Uncertain significance for FLNB-Related Spectrum Disorders. Last evaluated: 2018-01-13. Review status: criteria provided, single submitter. Criteria: ICSL Variant Classification Criteria 13 December 2019. Collection method: clinical testing. Allele origin: germline.